The following is an entry in ClinVar:

ClinVar aggregate classification (germline): Uncertain significance. Review status: criteria provided, multiple submitters, no conflicts (2 of 4 stars). 2 submissions from 2 submitters: Uncertain significance (2). Last evaluated 2022-08-15.

Conditions:
Ataxia-telangiectasia-like disorder (ATLD). Identifiers: MedGen C1858391, MONDO:0011457.
Hereditary cancer-predisposing syndrome. Also called: Neoplastic Syndromes, Hereditary; Tumor predisposition; Hereditary Cancer Syndrome; Hereditary neoplastic syndrome. Identifiers: Orphanet 140162, MedGen C0027672, MeSH D009386, MONDO:0015356.

Submissions (2):

Labcorp Genetics (formerly Invitae), Labcorp
Classification: Uncertain significance for Ataxia-telangiectasia-like disorder. Last evaluated: 2022-08-15. Review status: criteria provided, single submitter. Criteria: Invitae Variant Classification Sherloc (09022015). Collection method: clinical testing. Allele origin: germline.
Comment: This sequence change replaces valine, which is neutral and non-polar, with alanine, which is neutral and non-polar, at codon 684 of the MRE11 protein (p.Val684Ala). In summary, the available evidence is currently insufficient to determine the role of this variant in disease. Therefore, it has been classified as a Variant of Uncertain Significance. Algorithms developed to predict the effect of missense changes on protein structure and function (SIFT, PolyPhen-2, Align-GVGD) all suggest that this variant is likely to be tolerated. ClinVar contains an entry for this variant (Variation ID: 232770). This variant has not been reported in the literature in individuals affected with MRE11-related conditions. This variant is not present in population databases (gnomAD no frequency).

Ambry Genetics
Classification: Uncertain significance for Hereditary cancer-predisposing syndrome. Last evaluated: 2015-07-02. Review status: criteria provided, single submitter. Criteria: Ambry Variant Classification Scheme 2023. Collection method: clinical testing. Allele origin: germline.
Comment: The p.V684A variant (also known as c.2051T>C), located in coding exon 18 of the MRE11A gene, results from a T to C substitution at nucleotide position 2051. The valine at codon 684 is replaced by alanine, an amino acid with similar properties. This variant was not reported in population based cohorts in the following databases: Database of Single Nucleotide Polymorphisms (dbSNP), NHLBI Exome Sequencing Project (ESP), and 1000 Genomes Project. In the ESP, this variant was not observed in 6499 samples (12998 alleles) with coverage at this position. To date, this alteration has been detected with an allele frequency of approximately 0.002% (greater than 65000 alleles tested) in our clinical cohort. This amino acid position is highly conserved in available vertebrate species. In addition, this alteration is predicted to be tolerated by in silico analysis. Since supporting evidence is limited at this time, the clinical significance of p.V684A remains unclear.

NM_005591.4(MRE11):c.2051T>C (p.Val684Ala)

Gene: MRE11 (MRE11 double strand break repair nuclease; minus strand). Cytogenetic location: 11q21.
Variant type: single nucleotide variant.
Coding change: c.2051T>C on transcript NM_005591.4 (MANE Select); coding-DNA position 2051, T replaced by C.
Protein change: p.Val684Ala; replaces valine 684 with alanine.
Molecular consequence: missense variant.
Genome position (GRCh38, 1-based): chr11:94,429,930, A>G on the plus strand (T>C on the coding strand, the complement: MRE11 is on the minus strand). VCF-style: chr11-94429930-A-G. GRCh37 (hg19) VCF-style: chr11-94163096-A-G.
Other names: c.2048T>C, p.Val683Ala (NM_001330347.2); c.1967T>C, p.Val656Ala (NM_005590.4); short protein forms V684A, V656A, V683A.
Identifiers: ClinVar variation 232770 (VCV000232770.14), dbSNP rs876659981, ClinGen allele CA10579356.